The following is an entry in ClinVar:

ClinVar aggregate classification (germline): Conflicting classifications of pathogenicity. Review status: criteria provided, conflicting classifications (1 of 4 stars). 3 submissions from 3 submitters: Uncertain significance (2); Benign (1). Last evaluated 2025-11-06.

Conditions:
Inborn genetic diseases. Identifiers: MedGen C0950123, MeSH D030342.

Allele frequency attached by ClinVar (database versions not stated): gnomAD exomes below 0.00001; TOPMed below 0.00001; ExAC 0.00001.
gnomAD v4.1: 6 of 1,614,102 alleles (0.00037%); highest among the groups gnomAD compares: South Asian, 0.0055%; no homozygotes.

Submissions (3):

Women's Health and Genetics/Laboratory Corporation of America, LabCorp
Classification: Uncertain significance. Last evaluated: 2025-11-06. Review status: criteria provided, single submitter. Criteria: LabCorp Variant Classification Summary - May 2015. Collection method: clinical testing. Allele origin: germline.
Comment: Variant summary: TRRAP c.6061G>A (p.Val2021Ile) results in a conservative amino acid change in the encoded protein sequence. Algorithms developed to predict the effect of missense changes on protein structure and function all suggest that this variant is likely to be tolerated. The variant allele was found at a frequency of 4e-06 in 251446 control chromosomes. The available data on variant occurrences in the general population are insufficient to allow any conclusion about variant significance. To our knowledge, no occurrence of c.6061G>A in individuals affected with TRRAP-related conditions and no experimental evidence demonstrating its impact on protein function have been reported. ClinVar contains an entry for this variant (Variation ID: 3001603). Based on the evidence outlined above, the variant was classified as uncertain significance.

Ambry Genetics
Classification: Uncertain significance for Inborn genetic diseases. Last evaluated: 2025-09-25. Review status: criteria provided, single submitter. Criteria: Ambry Variant Classification Scheme 2023. Collection method: clinical testing. Allele origin: germline.

Labcorp Genetics (formerly Invitae), Labcorp
Classification: Benign. Last evaluated: 2023-04-27. Review status: criteria provided, single submitter. Criteria: Invitae Variant Classification Sherloc (09022015). Collection method: clinical testing. Allele origin: germline.

NM_001375524.1(TRRAP):c.6136G>A (p.Val2046Ile)

Gene: TRRAP (transformation/transcription domain associated protein; plus strand). Cytogenetic location: 7q22.1.
Variant type: single nucleotide variant.
Coding change: c.6136G>A on transcript NM_001375524.1 (MANE Select); coding-DNA position 6136, G replaced by A.
Protein change: p.Val2046Ile; replaces valine 2046 with isoleucine.
Molecular consequence: missense variant.
Genome position (GRCh38, 1-based): chr7:98,956,438, G>A. VCF-style: chr7-98956438-G-A. GRCh37 (hg19) VCF-style: chr7-98554061-G-A.
Other names: c.6115G>A, p.Val2039Ile (NM_001244580.2); c.6061G>A, p.Val2021Ile (NM_003496.4); c.6115G>A (NM_001244580.1); short protein forms V2039I, V2021I, V2046I.
Identifiers: ClinVar variation 3001603 (VCV003001603.5), dbSNP rs782797814, ClinGen allele CA4360762.